The following is an entry in ClinVar:

NM_001999.4(FBN2):c.8209A>G (p.Met2737Val)

Gene: FBN2 (fibrillin 2; minus strand). Cytogenetic location: 5q23.3.
Variant type: single nucleotide variant.
Coding change: c.8209A>G on transcript NM_001999.4 (MANE Select); coding-DNA position 8209, A replaced by G.
Protein change: p.Met2737Val; replaces methionine 2737 with valine.
Molecular consequence: missense variant.
Genome position (GRCh38, 1-based): chr5:128,261,891, T>C on the plus strand (A>G on the coding strand, the complement: FBN2 is on the minus strand). VCF-style: chr5-128261891-T-C. GRCh37 (hg19) VCF-style: chr5-127597583-T-C.
Other names: c.8209A>G (NM_001999.3); short protein forms M2737V.
Identifiers: ClinVar variation 3624596 (VCV003624596.3).

ClinVar aggregate classification (germline): Uncertain significance. Review status: criteria provided, multiple submitters, no conflicts (2 of 4 stars). 2 submissions from 2 submitters: Uncertain significance (2). Last evaluated 2026-06-06.

Conditions:
Familial thoracic aortic aneurysm and aortic dissection (TAAD). Also called: Thoracic aortic aneurysms and dissections. Identifiers: Orphanet 91387, MedGen C4707243, MONDO:0019625.
Congenital contractural arachnodactyly (CCA). Also called: Beals-Hecht syndrome; BEALS SYNDROME; Arthrogryposis, distal, type 9. Identifiers: Orphanet 115, MedGen C0220668, MONDO:0007363, OMIM 121050.

Submissions (2):

Ambry Genetics
Classification: Uncertain significance for Familial thoracic aortic aneurysm and aortic dissection. Last evaluated: 2026-06-06. Review status: criteria provided, single submitter. Criteria: Ambry Variant Classification Scheme 2023. Collection method: clinical testing. Allele origin: germline.
Comment: The p.M2737V variant (also known as c.8209A>G), located in coding exon 64 of the FBN2 gene, results from an A to G substitution at nucleotide position 8209. The methionine at codon 2737 is replaced by valine, an amino acid with highly similar properties. This amino acid position is conserved. In addition, this alteration is predicted to be tolerated by in silico analysis. Based on the available evidence, the clinical significance of this variant remains unclear.

Labcorp Genetics (formerly Invitae), Labcorp
Classification: Uncertain significance for Congenital contractural arachnodactyly. Last evaluated: 2025-07-30. Review status: criteria provided, single submitter. Criteria: Invitae Variant Classification Sherloc (09022015). Collection method: clinical testing. Allele origin: germline.
Comment: This sequence change replaces methionine, which is neutral and non-polar, with valine, which is neutral and non-polar, at codon 2737 of the FBN2 protein (p.Met2737Val). This variant is not present in population databases (gnomAD no frequency). This missense change has been observed in individual(s) with clinical features of FBN2-related conditions (internal data). ClinVar contains an entry for this variant (Variation ID: 3624596). Invitae Evidence Modeling of protein sequence and biophysical properties (such as structural, functional, and spatial information, amino acid conservation, physicochemical variation, residue mobility, and thermodynamic stability) indicates that this missense variant is not expected to disrupt FBN2 protein function with a negative predictive value of 80%. In summary, the available evidence is currently insufficient to determine the role of this variant in disease. Therefore, it has been classified as a Variant of Uncertain Significance.